The following is an entry in ClinVar:

ClinVar aggregate classification (germline): Benign/Likely benign. Review status: criteria provided, multiple submitters, no conflicts (2 of 4 stars). 8 submissions from 7 submitters: Benign (5); Likely benign (3). Last evaluated 2025-11-23.

Conditions:
Schwartz-Jampel syndrome. Also called: Myotonic myopathy dwarfism chondrodystrophy and ocular and facial abnormalities. Identifiers: Orphanet 800, MedGen C0036391, MONDO:0009717.
Lethal Kniest-like syndrome (DDSH). Also called: Dyssegmental Dysplasia. Identifiers: Orphanet 1865, MedGen C1857100, MONDO:0009140, OMIM 224410.
Connective tissue disorder. Also called: Connective tissue disease. Identifiers: MedGen C0009782, MONDO:0003900.

Allele frequency attached by ClinVar (database versions not stated): gnomAD 0.00042; TOPMed 0.00075; ExAC 0.00093; gnomAD exomes 0.00103; 1000 Genomes Project 30x 0.00406; 1000 Genomes Project 0.00479.
gnomAD v4.1: 880 of 1,614,200 alleles (0.055%); highest among the groups gnomAD compares: East Asian, 1.7%; 6 homozygotes.

Submissions (8):

Labcorp Genetics (formerly Invitae), Labcorp
Classification: Benign. Last evaluated: 2025-11-23. Review status: criteria provided, single submitter. Criteria: Invitae Variant Classification Sherloc (09022015). Collection method: clinical testing. Allele origin: germline.

Blueprint Genetics
Classification: Benign. Last evaluated: 2024-05-06. Review status: criteria provided, single submitter. Criteria: ACMG Guidelines, 2015. Collection method: clinical testing. Allele origin: germline.

Genome Diagnostics Laboratory, The Hospital for Sick Children
Classification: Likely benign for Connective tissue disorder. Last evaluated: 2021-10-28. Review status: criteria provided, single submitter. Criteria: ACMG Guidelines, 2015. Collection method: clinical testing. Allele origin: germline.

Athena Diagnostics
Classification: Benign. Last evaluated: 2020-10-28. Review status: criteria provided, single submitter. Criteria: Athena Diagnostics criteria. Collection method: clinical testing. Allele origin: unknown.

GeneDx
Classification: Likely benign. Last evaluated: 2020-06-23. Review status: criteria provided, single submitter. Criteria: GeneDx Variant Classification Process June 2021. Collection method: clinical testing. Allele origin: germline. Affected: yes.

Illumina Laboratory Services, Illumina
Classification: Benign for Lethal Kniest-like syndrome. Last evaluated: 2017-04-27. Review status: criteria provided, single submitter. Criteria: ICSL Variant Classification Criteria 13 December 2019. Collection method: clinical testing. Allele origin: germline.
Comment: This variant was observed as part of a predisposition screen in an ostensibly healthy population. A literature search was performed for the gene, cDNA change, and amino acid change (where applicable). No publications were found based on this search. Allele frequency data from public databases was too high to be consistent with this variant causing disease. Therefore, this variant is classified as benign.

Illumina Laboratory Services, Illumina
Classification: Benign for Schwartz-Jampel syndrome type 1. Last evaluated: 2017-04-27. Review status: criteria provided, single submitter. Criteria: ICSL Variant Classification Criteria 13 December 2019. Collection method: clinical testing. Allele origin: germline.
Comment: the same text as in the submission from Illumina Laboratory Services, Illumina above.

Breakthrough Genomics
Classification: Likely benign. Review status: criteria provided, single submitter. Criteria: ACMG Guidelines, 2015. Collection method: not provided. Allele origin: germline. Inheritance: Autosomal recessive inheritance. Affected: yes.

NM_005529.7(HSPG2):c.10588C>T (p.Arg3530Trp)

Gene: HSPG2 (heparan sulfate proteoglycan 2; minus strand). Cytogenetic location: 1p36.12.
Variant type: single nucleotide variant.
Coding change: c.10588C>T on transcript NM_005529.7 (MANE Select); coding-DNA position 10588, C replaced by T.
Protein change: p.Arg3530Trp; replaces arginine 3530 with tryptophan.
Molecular consequence: missense variant.
Genome position (GRCh38, 1-based): chr1:21,834,811, G>A on the plus strand (C>T on the coding strand, the complement: HSPG2 is on the minus strand). VCF-style: chr1-21834811-G-A. GRCh37 (hg19) VCF-style: chr1-22161304-G-A.
Other names: c.10591C>T, p.Arg3531Trp (NM_001291860.2); short protein forms R3530W, R3531W.
Identifiers: ClinVar variation 722034 (VCV000722034.20), dbSNP rs2270699, ClinGen allele CA670082.